The following is an entry in ClinVar:

ClinVar aggregate classification (germline): Uncertain significance. Review status: criteria provided, multiple submitters, no conflicts (2 of 4 stars). 2 submissions from 2 submitters: Uncertain significance (2). Last evaluated 2024-11-29.

Conditions:
Cardiovascular phenotype. Identifiers: MedGen CN230736.
Long QT syndrome (LQTS). Identifiers: MedGen C0023976, MeSH D008133, MONDO:0002442. Disease mechanism: loss of function. Inheritance: Various modes of inheritance.

Allele frequency attached by ClinVar (database versions not stated): gnomAD exomes 0.00001; TOPMed 0.00002; ExAC 0.00004.
gnomAD v4.1: 13 of 1,613,876 alleles (0.00081%); highest among the groups gnomAD compares: Admixed American, 0.018%; no homozygotes.

Submissions (2):

Ambry Genetics
Classification: Uncertain significance for Cardiovascular phenotype. Last evaluated: 2024-11-29. Review status: criteria provided, single submitter. Criteria: Ambry Variant Classification Scheme 2023. Collection method: clinical testing. Allele origin: germline.

Labcorp Genetics (formerly Invitae), Labcorp
Classification: Uncertain significance for Long QT syndrome. Last evaluated: 2023-02-22. Review status: criteria provided, single submitter. Criteria: Invitae Variant Classification Sherloc (09022015). Collection method: clinical testing. Allele origin: germline.
Comment: Advanced modeling of protein sequence and biophysical properties (such as structural, functional, and spatial information, amino acid conservation, physicochemical variation, residue mobility, and thermodynamic stability) performed at Invitae indicates that this missense variant is not expected to disrupt ANK2 protein function. This variant has not been reported in the literature in individuals affected with ANK2-related conditions. This variant is present in population databases (rs750861987, gnomAD 0.03%). This sequence change replaces valine, which is neutral and non-polar, with alanine, which is neutral and non-polar, at codon 809 of the ANK2 protein (p.Val809Ala). In summary, the available evidence is currently insufficient to determine the role of this variant in disease. Therefore, it has been classified as a Variant of Uncertain Significance.

NM_001148.6(ANK2):c.2426T>C (p.Val809Ala)

Gene: ANK2 (ankyrin 2; plus strand). Cytogenetic location: 4q26.
Variant type: single nucleotide variant.
Coding change: c.2426T>C on transcript NM_001148.6 (MANE Select); coding-DNA position 2426, T replaced by C.
Protein change: p.Val809Ala; replaces valine 809 with alanine.
Molecular consequence: missense variant.
Genome position (GRCh38, 1-based): chr4:113,293,489, T>C. VCF-style: chr4-113293489-T-C. GRCh37 (hg19) VCF-style: chr4-114214645-T-C.
Other names: c.2471T>C, p.Val824Ala (NM_001354230.2, NM_001354231.2, NM_001354237.2 and 5 more transcripts); c.2426T>C, p.Val809Ala (NM_001354232.2, NM_001354235.2, NM_001354236.2 and 6 more transcripts); c.2363T>C, p.Val788Ala (NM_001354239.2, NM_001354256.2, NM_001354262.2 and 10 more transcripts); c.2264T>C, p.Val755Ala (NM_001354257.2, NM_001386156.1, NM_001354253.2 and 1 more transcripts); c.2240T>C, p.Val747Ala (NM_001354260.2, NM_001386151.1, NM_001354271.2); c.2384T>C, p.Val795Ala (NM_001354261.2, NM_001386147.1, NM_001386160.1); c.2339T>C, p.Val780Ala (NM_001354264.2, NM_001354266.2, NM_001354267.2 and 10 more transcripts); c.2141T>C, p.Val714Ala (NM_001354277.2, NM_001386157.1); and 9 more; short protein forms V795A, V824A, V826A, V739A, V743A, V755A, V776A, V805A.
Identifiers: ClinVar variation 2873836 (VCV002873836.5), dbSNP rs750861987, ClinGen allele CA3050566.